The following is an entry in ClinVar:

NM_000362.5(TIMP3):c.120C>G (p.Ile40Met)

Genes: SYN3 (synapsin III; minus strand), TIMP3 (TIMP metallopeptidase inhibitor 3; plus strand). Cytogenetic location: 22q12.3.
Variant type: single nucleotide variant.
Coding change: c.120C>G on transcript NM_000362.5 (MANE Select); coding-DNA position 120, C replaced by G.
Protein change: p.Ile40Met; replaces isoleucine 40 with methionine.
Molecular consequence: missense variant. On other transcripts: intron variant (7).
Genome position (GRCh38, 1-based): chr22:32,802,121, C>G. VCF-style: chr22-32802121-C-G. GRCh37 (hg19) VCF-style: chr22-33198107-C-G.
Other names: c.708+62794G>C (NM_001369909.1, NM_001135774.2, NM_001369910.1); c.711+62794G>C (NM_001369907.1, NM_003490.4, NM_001369908.1 and 1 more transcripts); short protein forms I40M.
Identifiers: ClinVar variation 3006100 (VCV003006100.3), dbSNP rs2145931593, ClinGen allele CA411539135.

ClinVar aggregate classification (germline): Uncertain significance (1 of 4 stars; one submission).

gnomAD v4.1: 5 of 1,581,970 alleles (0.00032%); highest among the groups gnomAD compares: Non-Finnish European, 0.00026%; no homozygotes.

Submission:

Labcorp Genetics (formerly Invitae), Labcorp
Classification: Uncertain significance. Last evaluated: 2023-10-23. Review status: criteria provided, single submitter. Criteria: Invitae Variant Classification Sherloc (09022015). Collection method: clinical testing. Allele origin: germline.
Comment: This sequence change replaces isoleucine, which is neutral and non-polar, with methionine, which is neutral and non-polar, at codon 40 of the TIMP3 protein (p.Ile40Met). This variant is not present in population databases (gnomAD no frequency). This variant has not been reported in the literature in individuals affected with TIMP3-related conditions. An algorithm developed to predict the effect of missense changes on protein structure and function (PolyPhen-2) suggests that this variant is likely to be disruptive. In summary, the available evidence is currently insufficient to determine the role of this variant in disease. Therefore, it has been classified as a Variant of Uncertain Significance.